The following is an entry in ClinVar:

ClinVar aggregate classification (germline): Likely pathogenic (1 of 4 stars; one submission).

Conditions:
Hereditary cancer-predisposing syndrome. Also called: Neoplastic Syndromes, Hereditary; Tumor predisposition; Hereditary neoplastic syndrome; Hereditary Cancer Syndrome. Identifiers: Orphanet 140162, MedGen C0027672, MeSH D009386, MONDO:0015356.

Submission:

Ambry Genetics
Classification: Likely pathogenic for Hereditary cancer-predisposing syndrome. Last evaluated: 2026-06-15. Review status: criteria provided, single submitter. Criteria: Ambry Variant Classification Scheme 2023. Collection method: clinical testing. Allele origin: germline.
Comment: The c.1195_1263del69 variant (also known as p.A399_L421del) is located in coding exon 13 of the MUTYH gene. This variant results from an in-frame deletion of 69 nucleotides at nucleotide 1195 to 1263. This results in the in-frame deletion of 23 amino acids at codons 399 to 421. This variant is considered to be rare based on population cohorts in the Genome Aggregation Database (gnomAD). The affected region includes amino acid positions that are well conserved in available vertebrate species and the impacted region is critical for protein function (Ambry internal data). As such, this variant is classified as likely pathogenic.

NM_001048174.2(MUTYH):c.1111_1179del (p.Ala371_Leu393del)

Gene: MUTYH (mutY DNA glycosylase; minus strand). Cytogenetic location: 1p34.1.
Variant type: Deletion.
Coding change: c.1111_1179del on transcript NM_001048174.2 (MANE Select); coding-DNA positions 1111 to 1179, 69 bases deleted.
Protein change: p.Ala371_Leu393del.
Molecular consequence: non-coding transcript variant (on NR_176269.1). On other transcripts: inframe indel (1).
Genome position (GRCh38, 1-based): chr1:45,331,480-45,331,548, 69 bases deleted. GRCh37 (hg19): chr1:45,797,158-45,797,226.
Other names: c.1111_1179del, p.Ala371_Leu393del (NM_001048171.2, NM_001048173.2, NM_001293195.2 and 6 more transcripts); c.1114_1182del, p.Ala372_Leu394del (NM_001048172.2, NM_001407071.1, NM_001407078.1 and 1 more transcripts); c.1195_1263del, p.Ala399_Leu421del (NM_001128425.2); c.1156_1224del, p.Ala386_Leu408del (NM_001293190.2); c.1144_1212del, p.Ala382_Leu404del (NM_001293191.2, NM_001407069.1, NM_001407077.1); c.835_903del, p.Ala279_Leu301del (NM_001293192.2, NM_001293196.2, NM_001407091.1); c.766_834del, p.Ala256_Leu278del (NM_001350650.2, NM_001350651.2, NM_001407082.1); c.1027_1095del, p.Ala343_Leu365del (NM_001407075.1); and 6 more.
Identifiers: ClinVar variation 5024985 (VCV005024985.1).